The following is an entry in ClinVar:

ClinVar aggregate classification (germline): Benign/Likely benign. Review status: criteria provided, multiple submitters, no conflicts (2 of 4 stars). 3 submissions from 3 submitters: Benign (2); Likely benign (1). Last evaluated 2026-01-17.

Allele frequency attached by ClinVar (database versions not stated): gnomAD exomes 0.00037 and 0.00080; ExAC 0.00098; 1000 Genomes Project 0.00260; 1000 Genomes Project 30x 0.00297; gnomAD 0.00330 and 0.00362; ESP Exome Variant Server 0.00339; TOPMed 0.00350.

Submissions (3):

Labcorp Genetics (formerly Invitae), Labcorp
Classification: Benign. Last evaluated: 2026-01-17. Review status: criteria provided, single submitter. Criteria: Invitae Variant Classification Sherloc (09022015). Collection method: clinical testing. Allele origin: germline.

Athena Diagnostics
Classification: Benign. Last evaluated: 2025-06-16. Review status: criteria provided, single submitter. Criteria: Athena Diagnostics Criteria. Collection method: clinical testing. Allele origin: unknown.
Comment: The frequency of this variant in the general population is higher than would generally be expected for pathogenic variants in this gene.

Blueprint Genetics
Classification: Likely benign. Last evaluated: 2024-09-16. Review status: criteria provided, single submitter. Criteria: ACMG Guidelines, 2015. Collection method: clinical testing. Allele origin: germline.

Literature cited by the submitters: PubMed 16778331 (cited by Athena Diagnostics).

NM_000196.4(HSD11B2):c.681G>A (p.Pro227=)

Gene: HSD11B2 (hydroxysteroid 11-beta dehydrogenase 2; plus strand). Cytogenetic location: 16q22.1.
Variant type: single nucleotide variant.
Coding change: c.681G>A on transcript NM_000196.4 (MANE Select); coding-DNA position 681, G replaced by A.
Protein change: p.Pro227=; no amino-acid change (proline 227 retained).
Molecular consequence: synonymous variant.
Genome position (GRCh38, 1-based): chr16:67,436,265, G>A. VCF-style: chr16-67436265-G-A. GRCh37 (hg19) VCF-style: chr16-67470168-G-A.
Identifiers: ClinVar variation 722303 (VCV000722303.12), dbSNP rs72650122, ClinGen allele CA8110720.